The following is an entry in ClinVar:

NM_012188.5(FOXI1):c.308G>C (p.Gly103Ala)

Gene: FOXI1 (forkhead box I1; plus strand). Cytogenetic location: 5q35.1.
Variant type: single nucleotide variant.
Coding change: c.308G>C on transcript NM_012188.5 (MANE Select); coding-DNA position 308, G replaced by C.
Protein change: p.Gly103Ala; replaces glycine 103 with alanine.
Molecular consequence: missense variant.
Genome position (GRCh38, 1-based): chr5:170,106,265, G>C. VCF-style: chr5-170106265-G-C. GRCh37 (hg19) VCF-style: chr5-169533269-G-C.
Other names: c.308G>C, p.Gly103Ala (NM_144769.4); short protein forms G103A.
Identifiers: ClinVar variation 352703 (VCV000352703.18), dbSNP rs370450076, ClinGen allele CA3555007.

ClinVar aggregate classification (germline): Conflicting classifications of pathogenicity. Review status: criteria provided, conflicting classifications (1 of 4 stars). 5 submissions from 5 submitters: Uncertain significance (1); Benign (2); Likely benign (1). 1 of the submissions does not count toward it. Last evaluated 2026-01-19.

Conditions:
FOXI1-related disorder. Also called: FOXI1-related condition.
Autosomal recessive nonsyndromic hearing loss 4 (DFNB4). Also called: FOXI1-Related Pendred Syndrome; KCNJ10-Related Pendred Syndrome; DEAFNESS, AUTOSOMAL RECESSIVE 4, WITH ENLARGED VESTIBULAR AQUEDUCT, DIGENIC; Deafness, autosomal recessive 4; NEUROSENSORY NONSYNDROMIC RECESSIVE DEAFNESS 4; Deafness, autosomal recessive 4, with enlarged vestibular aqueduct. Identifiers: Orphanet 90636, MedGen C3538946, MONDO:0010933, OMIM 600791.

Allele frequency attached by ClinVar (database versions not stated): ESP Exome Variant Server 0.00008; TOPMed 0.00011; gnomAD 0.00026; 1000 Genomes Project 30x 0.00422; 1000 Genomes Project 0.00459.
gnomAD v4.1: 1,531 of 1,580,742 alleles (0.097%); highest among the groups gnomAD compares: South Asian, 1.6%; 26 homozygotes.

Submissions (5):

Labcorp Genetics (formerly Invitae), Labcorp
Classification: Benign. Last evaluated: 2026-01-19. Review status: criteria provided, single submitter. Criteria: Invitae Variant Classification Sherloc (09022015). Collection method: clinical testing. Allele origin: germline.

GeneDx
Classification: Benign. Last evaluated: 2020-10-06. Review status: criteria provided, single submitter. Criteria: GeneDx Variant Classification Process June 2021. Collection method: clinical testing. Allele origin: germline. Affected: yes.

Illumina Laboratory Services, Illumina
Classification: Uncertain significance for Autosomal recessive nonsyndromic hearing loss 4. Last evaluated: 2018-01-13. Review status: criteria provided, single submitter. Criteria: ICSL Variant Classification Criteria 13 December 2019. Collection method: clinical testing. Allele origin: germline.

Center for Pediatric Genomic Medicine, Children's Mercy Hospital and Clinics
Classification: Likely benign. Last evaluated: 2017-01-24. Review status: criteria provided, single submitter. Criteria: ACMG Guidelines, 2015. Collection method: clinical testing. Allele origin: germline.
ClinVar note: Converted during submission from Likely Benign to Likely benign.

PreventionGenetics, part of Exact Sciences
Classification: Benign for FOXI1-related condition. Last evaluated: 2019-06-04. Review status: no assertion criteria provided. Collection method: clinical testing. Allele origin: germline. Not counted in ClinVar's aggregate classification.
Comment: This variant is classified as benign based on ACMG/AMP sequence variant interpretation guidelines (Richards et al. 2015 PMID: 25741868, with internal and published modifications).